The following is an entry in ClinVar:

ClinVar aggregate classification (germline): Uncertain significance (1 of 4 stars; one submission).

Submission:

Labcorp Genetics (formerly Invitae), Labcorp
Classification: Uncertain significance. Last evaluated: 2022-03-27. Review status: criteria provided, single submitter. Criteria: Invitae Variant Classification Sherloc (09022015). Collection method: clinical testing. Allele origin: germline.
Comment: In summary, the available evidence is currently insufficient to determine the role of this variant in disease. Therefore, it has been classified as a Variant of Uncertain Significance. Algorithms developed to predict the effect of missense changes on protein structure and function (SIFT, PolyPhen-2, Align-GVGD) all suggest that this variant is likely to be tolerated. This variant has not been reported in the literature in individuals affected with LAMA1-related conditions. This variant is not present in population databases (gnomAD no frequency). This sequence change replaces threonine, which is neutral and polar, with asparagine, which is neutral and polar, at codon 1640 of the LAMA1 protein (p.Thr1640Asn).

NM_005559.4(LAMA1):c.4919C>A (p.Thr1640Asn)

Gene: LAMA1 (laminin subunit alpha 1; minus strand). Cytogenetic location: 18p11.31.
Variant type: single nucleotide variant.
Coding change: c.4919C>A on transcript NM_005559.4 (MANE Select); coding-DNA position 4919, C replaced by A.
Protein change: p.Thr1640Asn; replaces threonine 1640 with asparagine.
Molecular consequence: missense variant.
Genome position (GRCh38, 1-based): chr18:6,993,730, G>T on the plus strand (C>A on the coding strand, the complement: LAMA1 is on the minus strand). VCF-style: chr18-6993730-G-T. GRCh37 (hg19) VCF-style: chr18-6993729-G-T.
Other names: short protein forms T1640N.
Identifiers: ClinVar variation 2114964 (VCV002114964.4), dbSNP rs2057768590, ClinGen allele CA401842673.
Genomic context (GRCh38, chr18:6,993,730, plus strand): 5'-GCTATGGCCAGGTCTTGACTCTCCTTGAAGATTCTCTCAGTTGCCCTATTCACCTTTTGG[G>T]TACTCGCTAACATCCTAGTGAGCTGGTGGAAAAATAAAGTCTCAGGTTAGTTTGACTTTA-3'
Protein context (NP_005550.2, residues 1630-1650): QKKLTRMLAS[Thr1640Asn]QKVNRATERI